The following is an entry in ClinVar:

ClinVar aggregate classification (germline): Likely benign. Review status: criteria provided, multiple submitters, no conflicts (2 of 4 stars). 3 submissions from 3 submitters: Likely benign (3). Last evaluated 2026-06-01.

Conditions:
Hereditary spastic paraplegia 49 (HSAN9). Also called: Spastic paraplegia 49, autosomal recessive; TECPR2-Related Hereditary Sensory and Autonomic Neuropathy with Intellectual Disability; NEUROPATHY, HEREDITARY SENSORY AND AUTONOMIC, TYPE IX, WITH DEVELOPMENTAL DELAY. Identifiers: Orphanet 320385, MedGen C5190860, MONDO:0014016, OMIM 615031.

Allele frequency attached by ClinVar (database versions not stated): gnomAD exomes 0.00019 and 0.00008; ExAC 0.00007; gnomAD 0.00011; TOPMed 0.00011; ESP Exome Variant Server 0.00015.
gnomAD v4.1: 298 of 1,613,968 alleles (0.018%); highest among the groups gnomAD compares: Non-Finnish European, 0.024%; no homozygotes.

Submissions (3):

CeGaT Center for Human Genetics Tuebingen
Classification: Likely benign. Last evaluated: 2026-06-01. Review status: criteria provided, single submitter. Criteria: CeGaT Center For Human Genetics Tuebingen Variant Classification Criteria Version 2. Collection method: clinical testing. Allele origin: germline. Affected: yes. Observed: 1 variant allele.
Comment: TECPR2: BP4, BP7

Labcorp Genetics (formerly Invitae), Labcorp
Classification: Likely benign for Hereditary spastic paraplegia 49. Last evaluated: 2026-01-20. Review status: criteria provided, single submitter. Criteria: Invitae Variant Classification Sherloc (09022015). Collection method: clinical testing. Allele origin: germline.

GeneDx
Classification: Likely benign. Last evaluated: 2018-03-13. Review status: criteria provided, single submitter. Criteria: GeneDx Variant Classification (06012015). Collection method: clinical testing. Allele origin: germline. Affected: yes.
Comment: This variant is considered likely benign or benign based on one or more of the following criteria: it is a conservative change, it occurs at a poorly conserved position in the protein, it is predicted to be benign by multiple in silico algorithms, and/or has population frequency not consistent with disease.

NM_014844.5(TECPR2):c.714C>T (p.Pro238=)

Gene: TECPR2 (tectonin beta-propeller repeat containing 2; plus strand). Cytogenetic location: 14q32.31.
Variant type: single nucleotide variant.
Coding change: c.714C>T on transcript NM_014844.5 (MANE Select); coding-DNA position 714, C replaced by T.
Protein change: p.Pro238=; no amino-acid change (proline 238 retained).
Molecular consequence: synonymous variant.
Genome position (GRCh38, 1-based): chr14:102,425,054, C>T. VCF-style: chr14-102425054-C-T. GRCh37 (hg19) VCF-style: chr14-102891391-C-T.
Other names: c.714C>T, p.Pro238= (NM_001172631.3).
Identifiers: ClinVar variation 516682 (VCV000516682.8), dbSNP rs141078176, ClinGen allele CA7357511.
Genomic context (GRCh38, chr14:102,425,054, plus strand): 5'-TGCTTGTTTTATACCAGGACTCTGTAAGCAAAGTGATCTAACCTTGTATGCGTCACGGCC[C>T]GGGCTCCGGCTATGGAAGGCTGATGTCCACGGGACTGTTCAAGCCACGTTTATCTTAAAA-3'
Protein context (NP_055659.2, residues 228-248): QSDLTLYASR[Pro238=]GLRLWKADVH